The following is an entry in ClinVar:

NM_178140.4(PDZD2):c.2062A>G (p.Ser688Gly)

Gene: PDZD2 (PDZ domain containing 2; plus strand). Cytogenetic location: 5p13.3.
Variant type: single nucleotide variant.
Coding change: c.2062A>G on transcript NM_178140.4 (MANE Select); coding-DNA position 2062, A replaced by G.
Protein change: p.Ser688Gly; replaces serine 688 with glycine.
Molecular consequence: missense variant.
Genome position (GRCh38, 1-based): chr5:32,057,965, A>G. VCF-style: chr5-32057965-A-G. GRCh37 (hg19) VCF-style: chr5-32058071-A-G.
Other names: short protein forms S688G.
Identifiers: ClinVar variation 2264004 (VCV002264004.26), dbSNP rs201167069, ClinGen allele CA3219058.

ClinVar aggregate classification (germline): Conflicting classifications of pathogenicity. Review status: criteria provided, conflicting classifications (1 of 4 stars). 2 submissions from 2 submitters: Uncertain significance (1); Likely benign (1). Last evaluated 2023-09-01.

Allele frequency attached by ClinVar (database versions not stated): ExAC 0.00016; TOPMed 0.00019; gnomAD exomes 0.00013; ESP Exome Variant Server 0.00023; gnomAD 0.00023.
gnomAD v4.1: 244 of 1,613,770 alleles (0.015%); highest among the groups gnomAD compares: Non-Finnish European, 0.0029%; 3 homozygotes.

Submissions (2):

CeGaT Center for Human Genetics Tuebingen
Classification: Likely benign. Last evaluated: 2023-09-01. Review status: criteria provided, single submitter. Criteria: CeGaT Center For Human Genetics Tuebingen Variant Classification Criteria Version 2. Collection method: clinical testing. Allele origin: germline. Affected: yes. Observed: 1 variant allele.
Comment: PDZD2: BS2

Ambry Genetics
Classification: Uncertain significance. Last evaluated: 2021-11-05. Review status: criteria provided, single submitter. Criteria: Ambry Variant Classification Scheme 2023. Collection method: clinical testing. Allele origin: germline.